The following is an entry in ClinVar:

NM_001349253.2(SCN11A):c.959+5G>A

Gene: SCN11A (sodium voltage-gated channel alpha subunit 11; minus strand). Cytogenetic location: 3p22.2.
Variant type: single nucleotide variant.
Coding change: c.959+5G>A on transcript NM_001349253.2 (MANE Select); 5 bases into the intron after coding-DNA position 959, G replaced by A.
Molecular consequence: intron variant.
Genome position (GRCh38, 1-based): chr3:38,919,930, C>T on the plus strand (G>A on the coding strand, the complement: SCN11A is on the minus strand). VCF-style: chr3-38919930-C-T. GRCh37 (hg19) VCF-style: chr3-38961421-C-T.
Other names: c.959+5G>A (NM_014139.3).
Identifiers: ClinVar variation 573301 (VCV000573301.10), dbSNP rs373324936, ClinGen allele CA2322459.

ClinVar aggregate classification (germline): Conflicting classifications of pathogenicity. Review status: criteria provided, conflicting classifications (1 of 4 stars). 2 submissions from 2 submitters: Uncertain significance (1); Likely benign (1). Last evaluated 2026-05-07.

Conditions:
SCN11A-related disorder. Also called: SCN11A-related condition.
Familial episodic pain syndrome with predominantly lower limb involvement. Also called: Episodic pain syndrome, familial, 3. Identifiers: Orphanet 391384, Orphanet 391392, MedGen C3809899, MONDO:0014247, OMIM 615552.
Hereditary sensory and autonomic neuropathy type 7. Also called: HSAN VII; Neuropathy, hereditary sensory and autonomic, type VII. Identifiers: Orphanet 391397, MedGen C3809882, MONDO:0014244, OMIM 615548.

Allele frequency attached by ClinVar (database versions not stated): TOPMed below 0.00001; gnomAD 0.00001; gnomAD exomes 0.00001; 1000 Genomes Project 0.00040; 1000 Genomes Project 30x 0.00078.
gnomAD v4.1: 10 of 1,609,348 alleles (0.00062%); highest among the groups gnomAD compares: Admixed American, 0.017%; no homozygotes.

Submissions (2):

PreventionGenetics, part of Exact Sciences
Classification: Likely benign for SCN11A-related condition. Last evaluated: 2026-05-07. Review status: criteria provided, single submitter. Criteria: ACMG Guidelines, 2015. Collection method: clinical testing. Allele origin: germline.
Comment: This variant is classified as likely benign based on ACMG/AMP sequence variant interpretation guidelines (Richards et al. 2015 PMID: 25741868, with internal and published modifications).

Labcorp Genetics (formerly Invitae), Labcorp
Classification: Uncertain significance for Familial episodic pain syndrome with predominantly lower limb involvement; Hereditary sensory and autonomic neuropathy type 7. Last evaluated: 2025-08-08. Review status: criteria provided, single submitter. Criteria: Invitae Variant Classification Sherloc (09022015). Collection method: clinical testing. Allele origin: germline.
Comment: This sequence change falls in intron 7 of the SCN11A gene. It does not directly change the encoded amino acid sequence of the SCN11A protein. It affects a nucleotide within the consensus splice site. This variant is present in population databases (rs373324936, gnomAD 0.01%). This variant has not been reported in the literature in individuals affected with SCN11A-related conditions. ClinVar contains an entry for this variant (Variation ID: 573301). Variants that disrupt the consensus splice site are a relatively common cause of aberrant splicing (PMID: 17576681, 9536098). Algorithms developed to predict the effect of sequence changes on RNA splicing suggest that this variant may disrupt the consensus splice site. In summary, the available evidence is currently insufficient to determine the role of this variant in disease. Therefore, it has been classified as a Variant of Uncertain Significance.

Literature cited by the submitters: PubMed 17576681 (cited by Labcorp Genetics (formerly Invitae), Labcorp); PubMed 9536098 (cited by Labcorp Genetics (formerly Invitae), Labcorp).